The following is an entry in ClinVar:

NM_019842.4(KCNQ5):c.2074C>G (p.Leu692Val)

Gene: KCNQ5 (potassium voltage-gated channel subfamily Q member 5; plus strand). Cytogenetic location: 6q13.
Variant type: single nucleotide variant.
Coding change: c.2074C>G on transcript NM_019842.4 (MANE Select); coding-DNA position 2074, C replaced by G.
Protein change: p.Leu692Val; replaces leucine 692 with valine.
Molecular consequence: missense variant.
Genome position (GRCh38, 1-based): chr6:73,194,689, C>G. VCF-style: chr6-73194689-C-G. GRCh37 (hg19) VCF-style: chr6-73904412-C-G.
Other names: c.2047C>G, p.Leu683Val (NM_001160130.2); c.2104C>G, p.Leu702Val (NM_001160132.2); c.2131C>G, p.Leu711Val (NM_001160133.2); c.1744C>G, p.Leu582Val (NM_001160134.2); short protein forms L582V, L683V, L692V, L702V, L711V.
Identifiers: ClinVar variation 2656701 (VCV002656701.24), dbSNP rs2533930800, ClinGen allele CA364695186.
Genomic context (GRCh38, chr6:73,194,689, plus strand): 5'-AACAGTGGCTGCTTATCCAGATCAACTAGTGCCAACATCTCGAGAGGCCTGCAGTTCATT[C>G]TGACGCCAAATGAGTTCAGTGCCCAGACTTTCTACGCGCTTAGCCCTACTATGCACAGTC-3'
Protein context (NP_062816.2, residues 682-702): ANISRGLQFI[Leu692Val]TPNEFSAQTF

ClinVar aggregate classification (germline): Uncertain significance (1 of 4 stars; one submission).

Allele frequency attached by ClinVar (database versions not stated): gnomAD exomes below 0.00001.
gnomAD v4.1: 2 of 1,614,272 alleles (0.00012%); highest among the groups gnomAD compares: Non-Finnish European, 0.00017%; no homozygotes.

Submission:

CeGaT Center for Human Genetics Tuebingen
Classification: Uncertain significance. Last evaluated: 2024-11-01. Review status: criteria provided, single submitter. Criteria: CeGaT Center For Human Genetics Tuebingen Variant Classification Criteria Version 2. Collection method: clinical testing. Allele origin: germline. Affected: yes. Observed: 3 variant alleles.
Comment: KCNQ5: PM2, PS3:Supporting, PS4:Supporting